The following is an entry in ClinVar:

ClinVar aggregate classification (germline): Uncertain significance (1 of 4 stars; one submission).

Conditions:
Hereditary cancer-predisposing syndrome. Also called: Tumor predisposition; Neoplastic Syndromes, Hereditary; Hereditary Cancer Syndrome; Hereditary neoplastic syndrome. Identifiers: Orphanet 140162, MedGen C0027672, MeSH D009386, MONDO:0015356.

gnomAD v4.1: 1 of 1,613,850 alleles (0.000062%); highest among the groups gnomAD compares: Non-Finnish European, 0.000085%; no homozygotes.

Submission:

Ambry Genetics
Classification: Uncertain significance for Hereditary cancer-predisposing syndrome. Last evaluated: 2024-12-25. Review status: criteria provided, single submitter. Criteria: Ambry Variant Classification Scheme 2023. Collection method: clinical testing. Allele origin: germline.
Comment: The p.E924G variant (also known as c.2771A>G), located in coding exon 11 of the MET gene, results from an A to G substitution at nucleotide position 2771. The glutamic acid at codon 924 is replaced by glycine, an amino acid with similar properties. This amino acid position is conserved. In addition, the in silico prediction for this alteration is inconclusive. Based on the available evidence, the clinical significance of this variant remains unclear.

NM_000245.4(MET):c.2717A>G (p.Glu906Gly)

Gene: MET (MET proto-oncogene, receptor tyrosine kinase; plus strand). Cytogenetic location: 7q31.2.
Variant type: single nucleotide variant.
Coding change: c.2717A>G on transcript NM_000245.4 (MANE Select); coding-DNA position 2717, A replaced by G.
Protein change: p.Glu906Gly; replaces glutamic acid 906 with glycine.
Molecular consequence: missense variant.
Genome position (GRCh38, 1-based): chr7:116,769,778, A>G. VCF-style: chr7-116769778-A-G. GRCh37 (hg19) VCF-style: chr7-116409832-A-G.
Other names: c.2771A>G, p.Glu924Gly (NM_001127500.3); c.2717A>G, p.Glu906Gly (NM_001324401.3); c.1427A>G, p.Glu476Gly (NM_001324402.2); short protein forms E924G, E476G, E906G.
Identifiers: ClinVar variation 3872357 (VCV003872357.1).